The following is an entry in ClinVar:

NM_004608.4(TBX6):c.433C>G (p.Pro145Ala)

Gene: TBX6 (T-box transcription factor 6; minus strand). Cytogenetic location: 16p11.2.
Variant type: single nucleotide variant.
Coding change: c.433C>G on transcript NM_004608.4 (MANE Select); coding-DNA position 433, C replaced by G.
Protein change: p.Pro145Ala; replaces proline 145 with alanine.
Molecular consequence: missense variant.
Genome position (GRCh38, 1-based): chr16:30,089,131, G>C on the plus strand (C>G on the coding strand, the complement: TBX6 is on the minus strand). VCF-style: chr16-30089131-G-C. GRCh37 (hg19) VCF-style: chr16-30100452-G-C.
Other names: short protein forms P145A.
Identifiers: ClinVar variation 1462542 (VCV001462542.6), dbSNP rs1413203016, ClinGen allele CA395520228.

ClinVar aggregate classification (germline): Uncertain significance (1 of 4 stars; one submission).

Allele frequency attached by ClinVar (database versions not stated): gnomAD exomes below 0.00001; TOPMed below 0.00001; gnomAD 0.00001.
gnomAD v4.1: 3 of 1,613,966 alleles (0.00019%); highest among the groups gnomAD compares: Non-Finnish European, 0.00025%; no homozygotes.

Submission:

Labcorp Genetics (formerly Invitae), Labcorp
Classification: Uncertain significance. Last evaluated: 2021-10-21. Review status: criteria provided, single submitter. Criteria: Invitae Variant Classification Sherloc (09022015). Collection method: clinical testing. Allele origin: germline.
Comment: This sequence change replaces proline with alanine at codon 145 of the TBX6 protein (p.Pro145Ala). The proline residue is highly conserved and there is a small physicochemical difference between proline and alanine. This variant is not present in population databases (ExAC no frequency). This variant has not been reported in the literature in individuals affected with TBX6-related conditions. Algorithms developed to predict the effect of missense changes on protein structure and function are either unavailable or do not agree on the potential impact of this missense change (SIFT: "Deleterious"; PolyPhen-2: "Probably Damaging"; Align-GVGD: "Class C0"). In summary, the available evidence is currently insufficient to determine the role of this variant in disease. Therefore, it has been classified as a Variant of Uncertain Significance.